The following is an entry in ClinVar:

ClinVar aggregate classification (germline): Uncertain significance. Review status: criteria provided, multiple submitters, no conflicts (2 of 4 stars). 2 submissions from 2 submitters: Uncertain significance (2). Last evaluated 2022-08-22.

Conditions:
Neurofibromatosis, type 2 (SWNV). Also called: SCHWANNOMATOSIS, VESTIBULAR; NF2-Related Schwannomatosis; BILATERAL ACOUSTIC NEUROFIBROMATOSIS. Identifiers: Orphanet 637, MedGen C0027832, MONDO:0007039, OMIM 101000. Disease mechanism: loss of function.
Hereditary cancer-predisposing syndrome. Also called: Hereditary Cancer Syndrome; Hereditary neoplastic syndrome; Neoplastic Syndromes, Hereditary; Tumor predisposition. Identifiers: Orphanet 140162, MedGen C0027672, MeSH D009386, MONDO:0015356.

gnomAD v4.1: 1 of 1,614,020 alleles (0.000062%); highest among the groups gnomAD compares: African/African-American, 0.0013%; no homozygotes.

Submissions (2):

Ambry Genetics
Classification: Uncertain significance for Hereditary cancer-predisposing syndrome. Last evaluated: 2022-08-22. Review status: criteria provided, single submitter. Criteria: Ambry Variant Classification Scheme 2023. Collection method: clinical testing. Allele origin: germline.
Comment: The p.I224M variant (also known as c.672C>G), located in coding exon 7 of the NF2 gene, results from a C to G substitution at nucleotide position 672. The isoleucine at codon 224 is replaced by methionine, an amino acid with highly similar properties. This amino acid position is conserved. In addition, this alteration is predicted to be deleterious by in silico analysis. Since supporting evidence is limited at this time, the clinical significance of this alteration remains unclear.

Labcorp Genetics (formerly Invitae), Labcorp
Classification: Uncertain significance for Neurofibromatosis, type 2. Last evaluated: 2022-03-06. Review status: criteria provided, single submitter. Criteria: Invitae Variant Classification Sherloc (09022015). Collection method: clinical testing. Allele origin: germline.
Comment: In summary, the available evidence is currently insufficient to determine the role of this variant in disease. Therefore, it has been classified as a Variant of Uncertain Significance. Algorithms developed to predict the effect of missense changes on protein structure and function are either unavailable or do not agree on the potential impact of this missense change (SIFT: "Deleterious"; PolyPhen-2: "Probably Damaging"; Align-GVGD: "Class C0"). This variant has not been reported in the literature in individuals affected with NF2-related conditions. This variant is present in population databases (no rsID available, gnomAD 0.007%). This sequence change replaces isoleucine, which is neutral and non-polar, with methionine, which is neutral and non-polar, at codon 224 of the NF2 protein (p.Ile224Met).

NM_000268.4(NF2):c.672C>G (p.Ile224Met)

Gene: NF2 (NF2, moesin-ezrin-radixin like (MERLIN) tumor suppressor; plus strand). Cytogenetic location: 22q12.2.
Variant type: single nucleotide variant.
Coding change: c.672C>G on transcript NM_000268.4 (MANE Select); coding-DNA position 672, C replaced by G.
Protein change: p.Ile224Met; replaces isoleucine 224 with methionine.
Molecular consequence: missense variant. On other transcripts: non-coding transcript variant (1), intron variant (1).
Genome position (GRCh38, 1-based): chr22:29,658,261, C>G. VCF-style: chr22-29658261-C-G. GRCh37 (hg19) VCF-style: chr22-30054250-C-G.
Other names: c.558C>G, p.Ile186Met (NM_001407053.1, NM_001407056.1); c.549C>G, p.Ile183Met (NM_001407054.1, NM_001407058.1, NM_001407062.1 and 1 more transcripts); c.546C>G, p.Ile182Met (NM_001407055.1, NM_181828.3); c.672C>G, p.Ile224Met (NM_001407057.1, NM_001407059.1, NM_001407060.1 and 4 more transcripts); c.423C>G, p.Ile141Met (NM_001407063.1, NM_001407064.1, NM_181830.3 and 1 more transcripts); c.138C>G, p.Ile46Met (NM_001407065.1); c.441C>G, p.Ile147Met (NM_001407067.1); c.447+15976C>G (NM_181833.3); short protein forms I147M, I182M, I183M, I46M, I141M, I186M, I224M.
Identifiers: ClinVar variation 1755118 (VCV001755118.7), dbSNP rs1298953582, ClinGen allele CA411143132.